The following is an entry in ClinVar:

ClinVar aggregate classification (germline): Benign (1 of 4 stars; one submission).

Conditions:
Familial adenomatous polyposis 1 (FAP1). Also called: POLYPOSIS, ADENOMATOUS INTESTINAL; FAMILIAL ADENOMATOUS POLYPOSIS 1, ATTENUATED. Identifiers: MedGen C2713442, MONDO:0021056, OMIM 175100. Disease mechanism: loss of function.

Submission:

Myriad Genetics, Inc.
Classification: Benign for Familial adenomatous polyposis 1. Last evaluated: 2024-03-07. Review status: criteria provided, single submitter. Criteria: Myriad Autosomal Dominant, Autosomal Recessive and X-Linked Classification Criteria (2023). Collection method: clinical testing. Allele origin: unknown.
Comment: This variant is considered benign. This variant is intronic and is not expected to impact mRNA splicing.

NM_000038.6(APC):c.1958+21del

Gene: APC (APC regulator of Wnt signaling pathway; plus strand). Cytogenetic location: 5q22.2.
Variant type: Deletion.
Coding change: c.1958+21del on transcript NM_000038.6 (MANE Select); 21 bases into the intron after coding-DNA position 1958, one base deleted (T; older notation c.1958+21delT).
Molecular consequence: intron variant.
Genome position (GRCh38, 1-based): chr5:112,835,186, T deleted; the last of 2 consecutive T bases (chr5:112,835,185-112,835,186); deleting either gives the same sequence. VCF-style (leftmost placement, unchanged base first): chr5-112835184-AT-A. GRCh37 (hg19) VCF-style: chr5-112170881-AT-A.
Other names: c.1109+21del (NM_001407470.1, NM_001354906.2); c.806+21del (NM_001407472.1, NM_001407471.1); c.2012+21del (NM_001407447.1, NM_001407448.1, NM_001407449.1 and 1 more transcripts); c.1958+21del (NM_001354895.2, NM_001407450.1, NM_001127510.3); c.1709+21del (NM_001407456.1, NM_001407457.1, NM_001407455.1 and 1 more transcripts); c.1655+21del (NM_001407460.1, NM_001407458.1, NM_001407459.1 and 1 more transcripts); c.1928+21del (NM_001407452.1); c.1571+21del (NM_001407469.1, NM_001407467.1); and 11 more.
Identifiers: ClinVar variation 3148733 (VCV003148733.1), dbSNP rs2533346307, ClinGen allele CA2825001359.